The following is an entry in ClinVar:

NM_019594.4(LRRC8A):c.2347G>A (p.Gly783Ser)

Gene: LRRC8A (leucine rich repeat containing 8 VRAC subunit A; plus strand). Cytogenetic location: 9q34.11.
Variant type: single nucleotide variant.
Coding change: c.2347G>A on transcript NM_019594.4 (MANE Select); coding-DNA position 2347, G replaced by A.
Protein change: p.Gly783Ser; replaces glycine 783 with serine.
Molecular consequence: missense variant.
Genome position (GRCh38, 1-based): chr9:128,916,285, G>A. VCF-style: chr9-128916285-G-A. GRCh37 (hg19) VCF-style: chr9-131678564-G-A.
Other names: c.2347G>A, p.Gly783Ser (NM_001127244.2, NM_001127245.2); c.2347G>A (NM_001127244.1); short protein forms G783S.
Identifiers: ClinVar variation 1424660 (VCV001424660.10), dbSNP rs373135213, ClinGen allele CA5271076.

ClinVar aggregate classification (germline): Conflicting classifications of pathogenicity. Review status: criteria provided, conflicting classifications (1 of 4 stars). 3 submissions from 3 submitters: Uncertain significance (2); Likely benign (1). Last evaluated 2025-10-21.

Allele frequency attached by ClinVar (database versions not stated): ExAC 0.00003; gnomAD exomes 0.00003; gnomAD 0.00007 and 0.00009; ESP Exome Variant Server 0.00008; TOPMed 0.00010.
gnomAD v4.1: 62 of 1,613,514 alleles (0.0038%); highest among the groups gnomAD compares: African/African-American, 0.017%; no homozygotes.

Submissions (3):

Labcorp Genetics (formerly Invitae), Labcorp
Classification: Uncertain significance. Last evaluated: 2025-10-21. Review status: criteria provided, single submitter. Criteria: Invitae Variant Classification Sherloc (09022015). Collection method: clinical testing. Allele origin: germline.
Comment: This sequence change replaces glycine, which is neutral and non-polar, with serine, which is neutral and polar, at codon 783 of the LRRC8A protein (p.Gly783Ser). This variant is present in population databases (rs373135213, gnomAD 0.01%). This variant has not been reported in the literature in individuals affected with LRRC8A-related conditions. ClinVar contains an entry for this variant (Variation ID: 1424660). An algorithm developed to predict the effect of missense changes on protein structure and function (PolyPhen-2) suggests that this variant is likely to be tolerated. In summary, the available evidence is currently insufficient to determine the role of this variant in disease. Therefore, it has been classified as a Variant of Uncertain Significance.

Blueprint Genetics
Classification: Likely benign. Last evaluated: 2023-08-24. Review status: criteria provided, single submitter. Criteria: ACMG Guidelines, 2015. Collection method: clinical testing. Allele origin: germline.

Ambry Genetics
Classification: Uncertain significance. Last evaluated: 2021-07-13. Review status: criteria provided, single submitter. Criteria: Ambry Variant Classification Scheme 2023. Collection method: clinical testing. Allele origin: germline.